The following is an entry in ClinVar:

ClinVar aggregate classification (germline): Uncertain significance (1 of 4 stars; one submission).

Allele frequency attached by ClinVar (database versions not stated): ExAC 0.00001; gnomAD 0.00002; TOPMed 0.00002.
gnomAD v4.1: 5 of 1,612,070 alleles (0.00031%); highest among the groups gnomAD compares: African/African-American, 0.0067%; no homozygotes.

Submission:

Labcorp Genetics (formerly Invitae), Labcorp
Classification: Uncertain significance. Last evaluated: 2022-07-30. Review status: criteria provided, single submitter. Criteria: Invitae Variant Classification Sherloc (09022015). Collection method: clinical testing. Allele origin: germline.
Comment: This sequence change replaces aspartic acid, which is acidic and polar, with glutamic acid, which is acidic and polar, at codon 1549 of the DMXL2 protein (p.Asp1549Glu). This variant is present in population databases (rs766198398, gnomAD 0.007%). This variant has not been reported in the literature in individuals affected with DMXL2-related conditions. Algorithms developed to predict the effect of missense changes on protein structure and function (SIFT, PolyPhen-2, Align-GVGD) all suggest that this variant is likely to be tolerated. In summary, the available evidence is currently insufficient to determine the role of this variant in disease. Therefore, it has been classified as a Variant of Uncertain Significance.

NM_001378457.1(DMXL2):c.4647T>G (p.Asp1549Glu)

Gene: DMXL2 (Dmx like 2; minus strand). Cytogenetic location: 15q21.2.
Variant type: single nucleotide variant.
Coding change: c.4647T>G on transcript NM_001378457.1 (MANE Select); coding-DNA position 4647, T replaced by G.
Protein change: p.Asp1549Glu; replaces aspartic acid 1549 with glutamic acid.
Molecular consequence: missense variant. On other transcripts: non-coding transcript variant (2), intron variant (2).
Genome position (GRCh38, 1-based): chr15:51,498,577, A>C on the plus strand (T>G on the coding strand, the complement: DMXL2 is on the minus strand). VCF-style: chr15-51498577-A-C. GRCh37 (hg19) VCF-style: chr15-51790774-A-C.
Other names: c.4647T>G, p.Asp1549Glu (NM_001174116.3, NM_001378458.1, NM_001378459.1 and 4 more transcripts); c.4407T>G, p.Asp1469Glu (NM_001378464.1); c.2765-6830T>G (NM_001378460.1); c.2765-3443T>G (NM_001174117.3); short protein forms D1469E, D1549E.
Identifiers: ClinVar variation 2414217 (VCV002414217.3), dbSNP rs766198398, ClinGen allele CA7561996.